The following is an entry in ClinVar:

ClinVar aggregate classification (germline): Uncertain significance. Review status: criteria provided, multiple submitters, no conflicts (2 of 4 stars). 2 submissions from 2 submitters: Uncertain significance (2). Last evaluated 2024-06-18.

Conditions:
Gorlin syndrome. Also called: Basal cell nevus syndrome; Nevoid Basal Cell Carcinoma Syndrome. Identifiers: Orphanet 377, MedGen C0004779, MONDO:0007187.
Medulloblastoma (MDB). Also called: MEDULLOBLASTOMA PREDISPOSITION SYNDROME; Medulloblastoma, somatic. Identifiers: Orphanet 616, MedGen C0025149, MeSH D008527, MONDO:0007959, OMIM 155255, HP:0002885.
Hereditary cancer-predisposing syndrome. Also called: Tumor predisposition; Hereditary neoplastic syndrome; Hereditary Cancer Syndrome; Neoplastic Syndromes, Hereditary. Identifiers: Orphanet 140162, MedGen C0027672, MeSH D009386, MONDO:0015356.

Submissions (2):

Ambry Genetics
Classification: Uncertain significance for Hereditary cancer-predisposing syndrome. Last evaluated: 2024-06-18. Review status: criteria provided, single submitter. Criteria: Ambry Variant Classification Scheme 2023. Collection method: clinical testing. Allele origin: germline.
Comment: The p.S96T variant (also known as c.287G>C), located in coding exon 2 of the SUFU gene, results from a G to C substitution at nucleotide position 287. The serine at codon 96 is replaced by threonine, an amino acid with similar properties. This amino acid position is conserved. In addition, this alteration is predicted to be deleterious by in silico analysis. Based on the available evidence, the clinical significance of this variant remains unclear.

Labcorp Genetics (formerly Invitae), Labcorp
Classification: Uncertain significance for Gorlin syndrome; Medulloblastoma. Last evaluated: 2023-07-10. Review status: criteria provided, single submitter. Criteria: Invitae Variant Classification Sherloc (09022015). Collection method: clinical testing. Allele origin: germline.
Comment: In summary, the available evidence is currently insufficient to determine the role of this variant in disease. Therefore, it has been classified as a Variant of Uncertain Significance. Advanced modeling of protein sequence and biophysical properties (such as structural, functional, and spatial information, amino acid conservation, physicochemical variation, residue mobility, and thermodynamic stability) performed at Invitae indicates that this missense variant is not expected to disrupt SUFU protein function. ClinVar contains an entry for this variant (Variation ID: 1443968). This variant has not been reported in the literature in individuals affected with SUFU-related conditions. This variant is not present in population databases (gnomAD no frequency). This sequence change replaces serine, which is neutral and polar, with threonine, which is neutral and polar, at codon 96 of the SUFU protein (p.Ser96Thr).

NM_016169.4(SUFU):c.287G>C (p.Ser96Thr)

Gene: SUFU (SUFU negative regulator of hedgehog signaling; plus strand). Cytogenetic location: 10q24.32.
Variant type: single nucleotide variant.
Coding change: c.287G>C on transcript NM_016169.4 (MANE Select); coding-DNA position 287, G replaced by C.
Protein change: p.Ser96Thr; replaces serine 96 with threonine.
Molecular consequence: missense variant.
Genome position (GRCh38, 1-based): chr10:102,509,273, G>C. VCF-style: chr10-102509273-G-C. GRCh37 (hg19) VCF-style: chr10-104269030-G-C.
Other names: c.287G>C (NM_016169.3); c.287G>C, p.Ser96Thr (NM_001178133.2); short protein forms S96T.
Identifiers: ClinVar variation 1443968 (VCV001443968.9), dbSNP rs2135620752, ClinGen allele CA377889064.